The following is an entry in ClinVar:

ClinVar aggregate classification (germline): not provided (0 of 4 stars; one submission).

Conditions:
Hyperimmunoglobulin D with periodic fever (HIDS). Also called: HYPERIMMUNOGLOBULINEMIA D AND PERIODIC FEVER SYNDROME; Hyperimmunoglobulinemia D; Hyperimmunoglobulinemia D with periodic fever. Identifiers: Orphanet 343, MedGen C0398691, MONDO:0009849, OMIM 260920.

Submission:

Unité médicale des maladies autoinflammatoires, CHRU Montpellier
No classification provided. Condition: Hyperimmunoglobulin D with periodic fever. Review status: no classification provided. Collection method: not provided. Allele origin: unknown.
Comment: also involved in OMIM 25117

NM_000431.4(MVK):c.678-1G>C

Gene: MVK (mevalonate kinase; plus strand). Cytogenetic location: 12q24.11.
Variant type: single nucleotide variant.
Coding change: c.678-1G>C on transcript NM_000431.4 (MANE Select); the canonical splice acceptor site of the intron before coding-DNA position 678, G replaced by C.
Molecular consequence: splice acceptor variant.
Genome position (GRCh38, 1-based): chr12:109,590,770, G>C. VCF-style: chr12-109590770-G-C. GRCh37 (hg19) VCF-style: chr12-110028575-G-C.
Other names: c.678-1G>C (NM_001414511.1, NM_001414513.1, NM_001114185.3); c.753-1G>C (NM_001414512.1); c.522-1G>C (NM_001414514.1, NM_001301182.2); c.96-1G>C (NM_001414515.1).
Identifiers: ClinVar variation 97609 (VCV000097609.1), dbSNP rs104895376, ClinGen allele CA149872.